The following is an entry in ClinVar:

GRCh37/hg19 16p13.11(chr16:15168667-16291983)

Genes: CEP20 (centrosomal protein 20; minus strand), MARF1 (meiosis regulator and mRNA stability factor 1; minus strand), ABCC1 (ATP binding cassette subfamily C member 1 (ABCC1 blood group); plus strand), MPV17L (MPV17 mitochondrial inner membrane protein like; plus strand), ABCC6 (ATP binding cassette subfamily C member 6; minus strand) and 5 more. Cytogenetic location: 16p13.11.
Variant type: copy number gain.
Identifiers: ClinVar variation 625598 (VCV000625598.1).

ClinVar aggregate classification (germline): Pathogenic (1 of 4 stars; one submission).

Submission:

Baylor Genetics
Classification: Pathogenic. Last evaluated: 2018-11-01. Review status: criteria provided, single submitter. Criteria: ACMG CNV Guidelines, 2011. Collection method: clinical testing. Allele origin: germline. Affected: yes. Observed: 1 variant allele.
Comment: This 16p13.11 microduplication is associated with varied clinical features including behavioral abnormalities, cognitive impairment, congenital heart defects and skeletal manifestations [PMID:21150890]